The following is an entry in ClinVar:

NM_001080517.3(SETD5):c.1081C>T (p.Arg361Ter)

Gene: SETD5 (SET domain containing 5; plus strand). Cytogenetic location: 3p25.3.
Variant type: single nucleotide variant.
Coding change: c.1081C>T on transcript NM_001080517.3 (MANE Select); coding-DNA position 1081, C replaced by T.
Protein change: p.Arg361Ter; replaces arginine 361 with a stop codon.
Molecular consequence: nonsense.
Genome position (GRCh38, 1-based): chr3:9,443,311, C>T. VCF-style: chr3-9443311-C-T. GRCh37 (hg19) VCF-style: chr3-9484995-C-T.
Other names: c.787C>T, p.Arg263Ter (NM_001292043.2, NM_001349451.2); short protein forms R263*, R361*.
Identifiers: ClinVar variation 1684147 (VCV001684147.7), dbSNP rs2125212001, ClinGen allele CA351689852.
Genomic context (GRCh38, chr3:9,443,311, plus strand): 5'-TCTTACGGAAAGTTCATGGTCTTTATGAAAAATCCAACCAGAAGCCTTTTCACACAGGTG[C>T]GACACATGATTGCAGATGGGATGATTCACCTGTGCATCTATGCTGTGTCTGCCATCACCA-3'

ClinVar aggregate classification (germline): Pathogenic. Review status: criteria provided, multiple submitters, no conflicts (2 of 4 stars). 3 submissions from 3 submitters: Pathogenic (3). Last evaluated 2026-02-12.

Conditions:
Inborn genetic diseases. Identifiers: MedGen C0950123, MeSH D030342.
Intellectual disability-facial dysmorphism syndrome due to SETD5 haploinsufficiency (MRD23). Also called: Intellectual developmental disorder, autosomal dominant 23. Identifiers: Orphanet 404440, MedGen C3810406, MONDO:0014336, OMIM 615761.

Allele frequency attached by ClinVar (database versions not stated): gnomAD exomes below 0.00001.
gnomAD v4.1: 1 of 1,549,864 alleles (0.000065%); highest among the groups gnomAD compares: Non-Finnish European, 0.000087%; no homozygotes.

Submissions (3):

Victorian Clinical Genetics Services, Murdoch Childrens Research Institute
Classification: Pathogenic for Intellectual disability-facial dysmorphism syndrome due to SETD5 haploinsufficiency. Last evaluated: 2026-02-12. Review status: criteria provided, single submitter. Criteria: ACMG Guidelines, 2015. Collection method: clinical testing. Allele origin: germline. Affected: yes.
Comment: This variant is classified as Pathogenic. Evidence in support of pathogenic classification: Variant is predicted to cause nonsense-mediated decay (NMD) and loss of protein (premature termination codon is located at least 54 nucleotides upstream of the final exon-exon junction); Variant is present in gnomAD <0.001 for a dominant condition (v4: 1 heterozygote(s), 0 homozygote(s)); This variant has limited previous evidence of pathogenicity in unrelated individual(s). This variant has been classified as pathogenic by clinical laboratories in ClinVar; Other NMD-predicted variants comparable to the one identified in this case have very strong previous evidence for pathogenicity (DECIPHER); Additional information: This variant is heterozygous; This gene is associated with autosomal dominant disease; Loss of function is a known mechanism of disease in this gene and is associated with intellectual developmental disorder, autosomal dominant 23 (MIM#615761); Variants in this gene are known to have variable expressivity. Some mildly affected parents with the same SETD5 variant as their more severely affected children have been reported (PMID: 28881385, 27375234).

GeneDx
Classification: Pathogenic. Last evaluated: 2025-12-16. Review status: criteria provided, single submitter. Criteria: GeneDx Variant Classification Process June 2021. Collection method: clinical testing. Allele origin: germline. Affected: yes.
Comment: Nonsense variant predicted to result in protein truncation or nonsense mediated decay in a gene for which loss of function is a known mechanism of disease; Not observed at significant frequency in large population cohorts (gnomAD); Identified in a patient with SETD5-related neurodevelopmental disorder and in their affected mother in published literature (PMID: 39603091); This variant is associated with the following publications: (PMID: 39603091)

Ambry Genetics
Classification: Pathogenic for Inborn genetic diseases. Last evaluated: 2025-02-12. Review status: criteria provided, single submitter. Criteria: Ambry Variant Classification Scheme 2023. Collection method: clinical testing. Allele origin: germline.
Comment: The c.1081C>T (p.R361*) alteration, located in exon 11 (coding exon 9) of the SETD5 gene, consists of a C to T substitution at nucleotide position 1081. This changes the amino acid from an arginine (R) to a stop codon at amino acid position 361. This alteration is expected to result in loss of function by premature protein truncation or nonsense-mediated mRNA decay. This variant was not reported in population-based cohorts in the Genome Aggregation Database (gnomAD). This variant was reported in at least one individual with features consistent with SETD5-related neurodevelopmental disorder (De Falco, 2024). Based on the available evidence, this alteration is classified as pathogenic.

Literature cited by the submitters: PubMed 28881385 (cited by Victorian Clinical Genetics Services, Murdoch Childrens Research Institute); PubMed 27375234 (cited by Victorian Clinical Genetics Services, Murdoch Childrens Research Institute); PubMed 39603091 (cited by Ambry Genetics).